The following is an entry in ClinVar:

NM_014629.4(ARHGEF10):c.844C>G (p.Leu282Val)

Gene: ARHGEF10 (Rho guanine nucleotide exchange factor 10; plus strand). Cytogenetic location: 8p23.3.
Variant type: single nucleotide variant.
Coding change: c.844C>G on transcript NM_014629.4 (MANE Select); coding-DNA position 844, C replaced by G.
Protein change: p.Leu282Val; replaces leucine 282 with valine.
Molecular consequence: missense variant. On other transcripts: intron variant (1).
Genome position (GRCh38, 1-based): chr8:1,880,048, C>G. VCF-style: chr8-1880048-C-G. GRCh37 (hg19) VCF-style: chr8-1828214-C-G.
Other names: c.847C>G, p.Leu283Val (NM_001308153.3); c.847-2587C>G (NM_001308152.2); short protein forms L307V, L282V, L283V.
Identifiers: ClinVar variation 1938011 (VCV001938011.6), dbSNP rs757579124, ClinGen allele CA4600083.
Genomic context (GRCh38, chr8:1,880,048, plus strand): 5'-TTGTCCCAAAGAACCAAAAAGAGCCTTTTTGTGAAAAGACTGTGTCTCTTTATGCTGTAG[C>G]TTTCTCATGACCTAACCCGTTTAAAGGAGCACTATGAGAAAAAGATGAGAGATTTGATGG-3'
Protein context (NP_055444.2, residues 272-292): SFLRSNHKKQ[Leu282Val]SHDLTRLKEH

ClinVar aggregate classification (germline): Uncertain significance. Review status: criteria provided, multiple submitters, no conflicts (2 of 4 stars). 2 submissions from 2 submitters: Uncertain significance (2). Last evaluated 2025-02-17.

Allele frequency attached by ClinVar (database versions not stated): ExAC 0.00001; TOPMed 0.00001; gnomAD 0.00002.
gnomAD v4.1: 8 of 1,604,774 alleles (0.0005%); highest among the groups gnomAD compares: African/African-American, 0.008%; no homozygotes.

Submissions (2):

Labcorp Genetics (formerly Invitae), Labcorp
Classification: Uncertain significance. Last evaluated: 2025-02-17. Review status: criteria provided, single submitter. Criteria: Invitae Variant Classification Sherloc (09022015). Collection method: clinical testing. Allele origin: germline.
Comment: This sequence change replaces leucine, which is neutral and non-polar, with valine, which is neutral and non-polar, at codon 282 of the ARHGEF10 protein (p.Leu282Val). This variant is present in population databases (rs757579124, gnomAD 0.01%). This variant has not been reported in the literature in individuals affected with ARHGEF10-related conditions. ClinVar contains an entry for this variant (Variation ID: 1938011). An algorithm developed to predict the effect of missense changes on protein structure and function (PolyPhen-2) suggests that this variant is likely to be tolerated. In summary, the available evidence is currently insufficient to determine the role of this variant in disease. Therefore, it has been classified as a Variant of Uncertain Significance.

Women's Health and Genetics/Laboratory Corporation of America, LabCorp
Classification: Uncertain significance. Last evaluated: 2024-08-30. Review status: criteria provided, single submitter. Criteria: LabCorp Variant Classification Summary - May 2015. Collection method: clinical testing. Allele origin: germline.
Comment: Variant summary: ARHGEF10 c.844C>G (p.Leu282Val) results in a conservative amino acid change in the encoded protein sequence. Four of five in-silico tools predict a benign effect of the variant on protein function. Consensus agreement among computation tools predict no significant impact on normal splicing. However, these predictions have yet to be confirmed by functional studies. The variant allele was found at a frequency of 4e-06 in 251452 control chromosomes. The available data on variant occurrences in the general population are insufficient to allow any conclusion about variant significance. To our knowledge, no occurrence of c.844C>G in individuals affected with Autosomal Dominant Slowed Nerve Conduction Velocity and no experimental evidence demonstrating its impact on protein function have been reported. ClinVar contains an entry for this variant (Variation ID: 1938011). Based on the evidence outlined above, the variant was classified as uncertain significance.